The following is an entry in ClinVar:

ClinVar aggregate classification (germline): Pathogenic (1 of 4 stars; one submission).

Conditions:
Hereditary spastic paraplegia 28. Also called: Spastic paraplegia 28, autosomal recessive. Identifiers: Orphanet 101008, MedGen C1836295, MONDO:0012256, OMIM 609340.

Submission:

Labcorp Genetics (formerly Invitae), Labcorp
Classification: Pathogenic for Hereditary spastic paraplegia 28. Last evaluated: 2020-06-12. Review status: criteria provided, single submitter. Criteria: Invitae Variant Classification Sherloc (09022015). Collection method: clinical testing. Allele origin: germline.
Comment: For these reasons, this variant has been classified as Pathogenic. Loss-of-function variants in DDHD1 are known to be pathogenic (PMID: 23176821, 24989667, 26944165, 27216551). This variant has not been reported in the literature in individuals with DDHD1-related conditions. The frequency data for this variant in the population databases is considered unreliable, as metrics indicate insufficient coverage at this position in the ExAC database. This sequence change creates a premature translational stop signal (p.Asn2Lysfs*14) in the DDHD1 gene. It is expected to result in an absent or disrupted protein product.

Literature cited by the submitters: PubMed 23176821; PubMed 24989667; PubMed 26944165; PubMed 27216551.

NM_001160148.2(DDHD1):c.5dup (p.Asn2fs)

Gene: DDHD1 (DDHD domain containing 1; minus strand). Cytogenetic location: 14q22.1.
Variant type: Duplication.
Coding change: c.5dup on transcript NM_001160148.2 (MANE Select); coding-DNA position 5, one base duplicated (A; older notation c.5dupA).
Protein change: p.Asn2fs; shifts the reading frame from asparagine 2.
Molecular consequence: frameshift variant.
Genome position (GRCh38, 1-based): chr14:53,153,094, T duplicated on the plus strand (A on the coding strand, the reverse complement: DDHD1 is on the minus strand); the first of 2 consecutive T bases (chr14:53,153,094-53,153,095); duplicating either gives the same sequence. VCF-style (leftmost placement, unchanged base first): chr14-53153093-A-AT. GRCh37 (hg19) VCF-style: chr14-53619811-A-AT.
Other names: c.5dup, p.Asn2fs (NM_001160147.2, NM_030637.3); short protein forms N2fs.
Identifiers: ClinVar variation 1071245 (VCV001071245.7), dbSNP rs2139941138, ClinGen allele CA2499222642.
Genomic context (GRCh38, chr14:53,153,093, plus strand): 5'-GCCGCCGCCGCCGCCTCGGCCGTTATGCTCGGGGCTCCGTGGGGACCCGCGGCCCGGGTA[A>AT]TTCATGCTGTGGAGACGCCGCCGGCTGTCCGGCGGCGCGCGGAGCCGTGACCCCCAGCGC-3'